The following is an entry in ClinVar:

ClinVar aggregate classification (germline): Pathogenic. Review status: criteria provided, multiple submitters, no conflicts (2 of 4 stars). 3 submissions from 3 submitters: Pathogenic (3). Last evaluated 2024-07-23.

Conditions:
Transcobalamin II deficiency (TCN2D). Also called: TC II DEFICIENCY; TCN2 DEFICIENCY; Transcolabamin II deficiency. Identifiers: Orphanet 859, MedGen C0342701, MONDO:0010149, OMIM 275350.

Submissions (3):

Centre for Inherited Metabolic Diseases, Karolinska University Hospital
Classification: Pathogenic for Transcobalamin II deficiency. Last evaluated: 2024-07-23. Review status: criteria provided, single submitter. Criteria: ACMG Guidelines, 2015. Collection method: clinical testing. Allele origin: inherited. Inheritance: Autosomal recessive inheritance. Affected: yes. Observed: 1 homozygote.
Comment: The variant is a null variant causing frameshift (PVS1 - strong). This and other similar null variants have been reported to be causative (PM1, PMID:36703223, 20352340). The variant is rare in the healthy population (PM2-supporting). The clinical test in combination with phenotye allows for use of PP4 - strong (based on Biesecker et al. 2024 ClinGen guidance for use of the PP1/BS4 co-segregation and PP4 phenotype specificity criteria, PMID: 38103548).

Labcorp Genetics (formerly Invitae), Labcorp
Classification: Pathogenic for Transcobalamin II deficiency. Last evaluated: 2023-01-16. Review status: criteria provided, single submitter. Criteria: Invitae Variant Classification Sherloc (09022015). Collection method: clinical testing. Allele origin: germline.
Comment: For these reasons, this variant has been classified as Pathogenic. This variant disrupts a region of the TCN2 protein in which other variant(s) (p.Arg399*) have been determined to be pathogenic (PMID: 18956254, 31666257). This suggests that this is a clinically significant region of the protein, and that variants that disrupt it are likely to be disease-causing. ClinVar contains an entry for this variant (Variation ID: 1810225). This variant has not been reported in the literature in individuals affected with TCN2-related conditions. This variant is present in population databases (rs747615809, gnomAD 0.006%). This sequence change creates a premature translational stop signal (p.Leu376Phefs*36) in the TCN2 gene. While this is not anticipated to result in nonsense mediated decay, it is expected to disrupt the last 52 amino acid(s) of the TCN2 protein.

Dubai Health Genomic Medicine Center, Dubai Health
Classification: Pathogenic. Last evaluated: 2022-12-17. Review status: criteria provided, single submitter. Criteria: ACMG Guidelines, 2015. Collection method: clinical testing. Allele origin: germline. Affected: yes.

Literature cited by the submitters: PubMed 18956254 (cited by Labcorp Genetics (formerly Invitae), Labcorp); PubMed 31666257 (cited by Labcorp Genetics (formerly Invitae), Labcorp).

NM_000355.4(TCN2):c.1127dup (p.Leu376fs)

Gene: TCN2 (transcobalamin 2; plus strand). Cytogenetic location: 22q12.2.
Variant type: Duplication.
Coding change: c.1127dup on transcript NM_000355.4 (MANE Select); coding-DNA position 1127, one base duplicated (T; older notation c.1127dupT).
Protein change: p.Leu376fs; shifts the reading frame from leucine 376.
Molecular consequence: frameshift variant.
Genome position (GRCh38, 1-based): chr22:30,622,988, T duplicated; the last of 2 consecutive T bases (chr22:30,622,987-30,622,988); duplicating either gives the same sequence. VCF-style (leftmost placement, unchanged base first): chr22-30622986-C-CT. GRCh37 (hg19) VCF-style: chr22-31018973-C-CT.
Other names: c.1046dup, p.Leu349fs (NM_001184726.2); short protein forms L349fs, L376fs.
Identifiers: ClinVar variation 1810225 (VCV001810225.5), dbSNP rs747615809, ClinGen allele CA10184992.